The following is an entry in ClinVar:

ClinVar aggregate classification (germline): Uncertain significance (1 of 4 stars; one submission).

Submission:

CeGaT Center for Human Genetics Tuebingen
Classification: Uncertain significance. Last evaluated: 2024-02-01. Review status: criteria provided, single submitter. Criteria: CeGaT Center For Human Genetics Tuebingen Variant Classification Criteria Version 2. Collection method: clinical testing. Allele origin: germline. Affected: yes. Observed: 1 variant allele.
Comment: TTN: PM2

NM_001267550.2(TTN):c.88504G>A (p.Asp29502Asn)

Genes: TTN (titin; minus strand), TTN-AS1 (TTN antisense RNA 1; plus strand). Cytogenetic location: 2q31.2.
Variant type: single nucleotide variant.
Coding change: c.88504G>A on transcript NM_001267550.2 (MANE Select); coding-DNA position 88504, G replaced by A.
Protein change: p.Asp29502Asn; replaces aspartic acid 29502 with asparagine.
Molecular consequence: missense variant.
Genome position (GRCh38, 1-based): chr2:178,554,955, C>T on the plus strand (G>A on the coding strand, the complement: TTN is on the minus strand). VCF-style: chr2-178554955-C-T. GRCh37 (hg19) VCF-style: chr2-179419682-C-T.
Other names: c.83581G>A, p.Asp27861Asn (NM_001256850.1); c.61309G>A, p.Asp20437Asn (NM_003319.4); c.80800G>A, p.Asp26934Asn (NM_133378.4); c.61684G>A, p.Asp20562Asn (NM_133432.3); c.61885G>A, p.Asp20629Asn (NM_133437.4); short protein forms D20437N, D20562N, D20629N, D26934N, D27861N, D29502N.
Identifiers: ClinVar variation 3025561 (VCV003025561.22), dbSNP rs2469405207, ClinGen allele CA349527128.
Genomic context (GRCh38, chr2:178,554,955, plus strand): 5'-CTGAGCCCATGGCATTCCTTAGTTTTAATTCATAGCATCCACTATTAAGGCGATCGGCAT[C>T]TTTGATGAGTATAGATGCGAGGTCCGTGGTATTTTCAACACACACCAGTGCATTGGTTTG-3'
Protein context (NP_001254479.2, residues 29492-29512): TTDLASILIK[Asp29502Asn]ADRLNSGCYE